The following is an entry in ClinVar:

NM_000057.4(BLM):c.3199T>C (p.Cys1067Arg)

Gene: BLM (BLM RecQ like helicase; plus strand). Cytogenetic location: 15q26.1.
Variant type: single nucleotide variant.
Coding change: c.3199T>C on transcript NM_000057.4 (MANE Select); coding-DNA position 3199, T replaced by C.
Protein change: p.Cys1067Arg; replaces cysteine 1067 with arginine.
Molecular consequence: missense variant.
Genome position (GRCh38, 1-based): chr15:90,794,346, T>C. VCF-style: chr15-90794346-T-C. GRCh37 (hg19) VCF-style: chr15-91337576-T-C.
Other names: c.3199T>C (NM_000057.2); c.3199T>C, p.Cys1067Arg (NM_001287246.2, NM_001287247.2); c.2074T>C, p.Cys692Arg (NM_001287248.2); short protein forms C1067R, C692R.
Identifiers: ClinVar variation 952306 (VCV000952306.12), dbSNP rs1896980012, ClinGen allele CA393847058.
Genomic context (GRCh38, chr15:90,794,346, plus strand): 5'-GAAAATGGATTTAATCCTGATTTTTGTAAGAAACACCCAGATGTTTCTTGTGATAATTGC[T>C]GTAAAACAAAGGTAAAAAAAGAAGTTTTAAAATTCTTTATAATTAAATTTTTTTTCTCTT-3'
Protein context (NP_000048.1, residues 1057-1077): KHPDVSCDNC[Cys1067Arg]KTKDYKTRDV

ClinVar aggregate classification (germline): Uncertain significance. Review status: criteria provided, multiple submitters, no conflicts (2 of 4 stars). 3 submissions from 3 submitters: Uncertain significance (3). Last evaluated 2025-10-15.

Conditions:
Bloom syndrome (BLM). Also called: Bloom-Torre-Machacek syndrome. Identifiers: Orphanet 125, MedGen C0005859, MONDO:0008876, OMIM 210900.
Hereditary cancer-predisposing syndrome. Also called: Tumor predisposition; Hereditary neoplastic syndrome; Neoplastic Syndromes, Hereditary; Hereditary Cancer Syndrome. Identifiers: Orphanet 140162, MedGen C0027672, MeSH D009386, MONDO:0015356.

Submissions (3):

Labcorp Genetics (formerly Invitae), Labcorp
Classification: Uncertain significance for Bloom syndrome. Last evaluated: 2025-10-15. Review status: criteria provided, single submitter. Criteria: Invitae Variant Classification Sherloc (09022015). Collection method: clinical testing. Allele origin: germline.
Comment: This sequence change replaces cysteine, which is neutral and slightly polar, with arginine, which is basic and polar, at codon 1067 of the BLM protein (p.Cys1067Arg). This variant is not present in population databases (gnomAD no frequency). This variant has not been reported in the literature in individuals affected with BLM-related conditions. ClinVar contains an entry for this variant (Variation ID: 952306). Invitae Evidence Modeling of protein sequence and biophysical properties (such as structural, functional, and spatial information, amino acid conservation, physicochemical variation, residue mobility, and thermodynamic stability) indicates that this missense variant is not expected to disrupt BLM protein function with a negative predictive value of 80%. In summary, the available evidence is currently insufficient to determine the role of this variant in disease. Therefore, it has been classified as a Variant of Uncertain Significance.

Ambry Genetics
Classification: Uncertain significance for Hereditary cancer-predisposing syndrome. Last evaluated: 2025-01-14. Review status: criteria provided, single submitter. Criteria: Ambry Variant Classification Scheme 2023. Collection method: clinical testing. Allele origin: germline.
Comment: The p.C1067R variant (also known as c.3199T>C), located in coding exon 15 of the BLM gene, results from a T to C substitution at nucleotide position 3199. The cysteine at codon 1067 is replaced by arginine, an amino acid with highly dissimilar properties. This amino acid position is conserved. In addition, this alteration is predicted to be tolerated by in silico analysis. Based on the available evidence, the clinical significance of this variant remains unclear.

Fulgent Genetics
Classification: Uncertain significance for Bloom syndrome. Last evaluated: 2024-05-23. Review status: criteria provided, single submitter. Criteria: ACMG Guidelines, 2015. Collection method: clinical testing. Allele origin: germline.